The following is an entry in ClinVar:

ClinVar aggregate classification (germline): Benign. Review status: criteria provided, multiple submitters, no conflicts (2 of 4 stars). 2 submissions from 2 submitters: Benign (2). Last evaluated 2025-10-27.

Conditions:
EPILEPSY, CHILDHOOD ABSENCE, SUSCEPTIBILITY TO, 2 (ECA2). Identifiers: Orphanet 64280, MedGen C1843244, OMIM 607681.
Febrile seizures, familial, 8 (FEB8). Also called: CONVULSIONS, FAMILIAL FEBRILE, 8. Identifiers: Orphanet 36387, MedGen C1969810, MONDO:0011891, OMIM 607681.

Allele frequency attached by ClinVar (database versions not stated): gnomAD exomes 0.00001 and 0.00005; ExAC 0.00007; TOPMed 0.00017; 1000 Genomes Project 0.00020; gnomAD 0.00021 and 0.00024; ESP Exome Variant Server 0.00023; 1000 Genomes Project 30x 0.00062.
gnomAD v4.1: 47 of 1,613,626 alleles (0.0029%); highest among the groups gnomAD compares: African/African-American, 0.061%; no homozygotes.

Submissions (2):

Labcorp Genetics (formerly Invitae), Labcorp
Classification: Benign for Febrile seizures, familial, 8; EPILEPSY, CHILDHOOD ABSENCE, SUSCEPTIBILITY TO, 2. Last evaluated: 2025-10-27. Review status: criteria provided, single submitter. Criteria: Invitae Variant Classification Sherloc (09022015). Collection method: clinical testing. Allele origin: germline.

GeneDx
Classification: Benign. Last evaluated: 2014-04-09. Review status: criteria provided, single submitter. Criteria: GeneDx Variant Classification (06012015). Collection method: clinical testing. Allele origin: germline. Affected: yes.
Comment: This variant is considered likely benign or benign based on one or more of the following criteria: it is a conservative change, it occurs at a poorly conserved position in the protein, it is predicted to be benign by multiple in silico algorithms, and/or has population frequency not consistent with disease.

NM_198904.4(GABRG2):c.769+20A>C

Gene: GABRG2 (gamma-aminobutyric acid type A receptor subunit gamma2; plus strand). Cytogenetic location: 5q34.
Variant type: single nucleotide variant.
Coding change: c.769+20A>C on transcript NM_198904.4 (MANE Select); 20 bases into the intron after coding-DNA position 769, A replaced by C.
Molecular consequence: intron variant.
Genome position (GRCh38, 1-based): chr5:162,104,046, A>C. VCF-style: chr5-162104046-A-C. GRCh37 (hg19) VCF-style: chr5-161531052-A-C.
Other names: c.769+20A>C (NM_000816.3, NM_001375344.1, NM_001375340.1 and 2 more transcripts); c.484+20A>C (NM_001375349.1); c.889+20A>C (NM_001375343.1, NM_198903.2); c.349+20A>C (NM_001375350.1, NM_001375348.1); c.760+20A>C (NM_001375339.1); c.703+20A>C (NM_001375346.1, NM_001375345.1); c.682+20A>C (NM_001375347.1).
Identifiers: ClinVar variation 137428 (VCV000137428.9), dbSNP rs182866753, ClinGen allele CA291004.